The following is an entry in ClinVar:

NM_031935.3(HMCN1):c.7427-6T>G

Gene: HMCN1 (hemicentin 1; plus strand). Cytogenetic location: 1q31.1.
Variant type: single nucleotide variant.
Coding change: c.7427-6T>G on transcript NM_031935.3 (MANE Select); 6 bases into the intron before coding-DNA position 7427, T replaced by G.
Molecular consequence: intron variant.
Genome position (GRCh38, 1-based): chr1:186,062,508, T>G. VCF-style: chr1-186062508-T-G. GRCh37 (hg19) VCF-style: chr1-186031640-T-G.
Identifiers: ClinVar variation 2180099 (VCV002180099.4), dbSNP rs769604179, ClinGen allele CA1292839.

ClinVar aggregate classification (germline): Uncertain significance (1 of 4 stars; one submission).

Allele frequency attached by ClinVar (database versions not stated): TOPMed 0.00001; gnomAD exomes 0.00002; ExAC 0.00003.
gnomAD v4.1: 29 of 1,583,644 alleles (0.0018%); highest among the groups gnomAD compares: South Asian, 0.0033%; no homozygotes.

Submission:

Labcorp Genetics (formerly Invitae), Labcorp
Classification: Uncertain significance. Last evaluated: 2022-04-17. Review status: criteria provided, single submitter. Criteria: Invitae Variant Classification Sherloc (09022015). Collection method: clinical testing. Allele origin: germline.
Comment: In summary, the available evidence is currently insufficient to determine the role of this variant in disease. Therefore, it has been classified as a Variant of Uncertain Significance. Algorithms developed to predict the effect of sequence changes on RNA splicing suggest that this variant may disrupt the consensus splice site. This variant has not been reported in the literature in individuals affected with HMCN1-related conditions. This variant is present in population databases (rs769604179, gnomAD 0.006%). This sequence change falls in intron 47 of the HMCN1 gene. It does not directly change the encoded amino acid sequence of the HMCN1 protein.